The following is an entry in ClinVar:

ClinVar aggregate classification (germline): Uncertain significance. Review status: criteria provided, multiple submitters, no conflicts (2 of 4 stars). 3 submissions from 3 submitters: Uncertain significance (3). Last evaluated 2023-03-29.

Allele frequency attached by ClinVar (database versions not stated): gnomAD exomes 0.00002 and 0.00003; TOPMed 0.00002; ExAC 0.00003; gnomAD 0.00003 and 0.00004.
gnomAD v4.1: 45 of 1,613,838 alleles (0.0028%); highest among the groups gnomAD compares: Non-Finnish European, 0.0032%; no homozygotes.

Submissions (3):

Blueprint Genetics
Classification: Uncertain significance. Last evaluated: 2023-03-29. Review status: criteria provided, single submitter. Criteria: ACMG Guidelines, 2015. Collection method: clinical testing. Allele origin: germline.

Labcorp Genetics (formerly Invitae), Labcorp
Classification: Uncertain significance. Last evaluated: 2022-08-06. Review status: criteria provided, single submitter. Criteria: Invitae Variant Classification Sherloc (09022015). Collection method: clinical testing. Allele origin: germline.
Comment: This sequence change replaces serine, which is neutral and polar, with leucine, which is neutral and non-polar, at codon 2186 of the CDH23 protein (p.Ser2186Leu). This variant is present in population databases (rs770370555, gnomAD 0.004%). This missense change has been observed in individual(s) with clinical features of CDH23-related conditions (PMID: 26633542). ClinVar contains an entry for this variant (Variation ID: 1677051). Algorithms developed to predict the effect of missense changes on protein structure and function are either unavailable or do not agree on the potential impact of this missense change (SIFT: "Deleterious"; PolyPhen-2: "Not Available"; Align-GVGD: "Class C65"). In summary, the available evidence is currently insufficient to determine the role of this variant in disease. Therefore, it has been classified as a Variant of Uncertain Significance.

Women's Health and Genetics/Laboratory Corporation of America, LabCorp
Classification: Uncertain significance. Last evaluated: 2022-03-01. Review status: criteria provided, single submitter. Criteria: LabCorp Variant Classification Summary - May 2015. Collection method: clinical testing. Allele origin: germline.
Comment: Variant summary: CDH23 c.6557C>T (p.Ser2186Leu) results in a non-conservative amino acid change in the encoded protein sequence. Three of five in-silico tools predict a damaging effect of the variant on protein function. The variant allele was found at a frequency of 2e-05 in 249052 control chromosomes (gnomAD). The available data on variant occurrences in the general population are insufficient to allow any conclusion about variant significance. c.6557C>T has been reported in the literature in one individual affected with multiple congenital anomalies (Retterer_2015). The report does not provide unequivocal conclusions about association of the variant with Usher Syndrome. To our knowledge, no experimental evidence demonstrating an impact on protein function has been reported. No clinical diagnostic laboratories have submitted clinical-significance assessments for this variant to ClinVar after 2014. Based on the evidence outlined above, the variant was classified as uncertain significance.

Literature cited by the submitters: PubMed 26633542 (cited by Labcorp Genetics (formerly Invitae), Labcorp and Women's Health and Genetics/Laboratory Corporation of America, LabCorp); PubMed 34426522 (cited by Women's Health and Genetics/Laboratory Corporation of America, LabCorp).

NM_022124.6(CDH23):c.6557C>T (p.Ser2186Leu)

Gene: CDH23 (cadherin related 23; plus strand). Cytogenetic location: 10q22.1.
Variant type: single nucleotide variant.
Coding change: c.6557C>T on transcript NM_022124.6 (MANE Select); coding-DNA position 6557, C replaced by T.
Protein change: p.Ser2186Leu; replaces serine 2186 with leucine.
Molecular consequence: missense variant.
Genome position (GRCh38, 1-based): chr10:71,793,485, C>T. VCF-style: chr10-71793485-C-T. GRCh37 (hg19) VCF-style: chr10-73553242-C-T.
Other names: short protein forms S2186L.
Identifiers: ClinVar variation 1677051 (VCV001677051.4), dbSNP rs770370555, ClinGen allele CA5546118.